The following is an entry in ClinVar:

ClinVar aggregate classification (germline): Uncertain significance (1 of 4 stars; one submission).

Conditions:
Acute myeloid leukemia (AML). Also called: Leukemia, acute myeloid, somatic; Leukemia, acute myelogenous, somatic; Acute myeloid leukemia, adult; AML adult; Acute non-lymphocytic leukemia; Acute granulocytic leukemia. Identifiers: Orphanet 519, MedGen C0023467, MeSH D015470, MONDO:0018874, OMIM 601626, HP:0004808. Disease mechanism: Constitutively activated FLT3.

Submission:

Labcorp Genetics (formerly Invitae), Labcorp
Classification: Uncertain significance for Acute myeloid leukemia. Last evaluated: 2021-03-29. Review status: criteria provided, single submitter. Criteria: Invitae Variant Classification Sherloc (09022015). Collection method: clinical testing. Allele origin: germline.
Comment: The frequency data for this variant in the population databases is considered unreliable, as metrics indicate insufficient coverage at this position in the ExAC database. This variant, c.569_570insCCACCC, results in the insertion of 2 amino acid(s) to the CEBPA protein (p.His195_Pro196dup), but otherwise preserves the integrity of the reading frame. This variant has not been reported in the literature in individuals with CEBPA-related conditions. In summary, the available evidence is currently insufficient to determine the role of this variant in disease. Therefore, it has been classified as a Variant of Uncertain Significance. Experimental studies and prediction algorithms are not available or were not evaluated, and the functional significance of this variant is currently unknown.

NM_004364.5(CEBPA):c.569_570insCCACCC (p.191HP[4])

Gene: CEBPA (CCAAT enhancer binding protein alpha; minus strand). Cytogenetic location: 19q13.11.
Variant type: Insertion.
Coding change: c.569_570insCCACCC on transcript NM_004364.5 (MANE Select); coding-DNA positions 569 to 570, CCACCC inserted.
Protein change: p.191HP[4].
Molecular consequence: inframe insertion.
Genome position: GRCh38 VCF-style: chr19-33301845-C-CGGGTGG. GRCh37 (hg19) VCF-style: chr19-33792751-C-CGGGTGG.
Other names: c.212_213insCCACCC, p.72HP[4] (NM_001285829.2); c.674_675insCCACCC, p.226HP[4] (NM_001287424.2); c.527_528insCCACCC, p.177HP[4] (NM_001287435.2).
Identifiers: ClinVar variation 1471175 (VCV001471175.9), dbSNP rs2145261294, ClinGen allele CA2573156215.
Genomic context (GRCh38, chr19:33,301,845, plus strand): 5'-GATCTGGAACTGCAGGTGCGGGGCGGCCAGGTGCGCGGGCGGCGGGTGCGGGTGCGGGTG[C>CGGGTGG]GAGGGCGGCGGCGGCGGCGGCGGCTGGTAAGGGAAGAGGCCGGCCAGCGCCAGCTGCTTG-3'